The following is an entry in ClinVar:

ClinVar aggregate classification (germline): Conflicting classifications of pathogenicity. Review status: criteria provided, conflicting classifications (1 of 4 stars). 2 submissions from 2 submitters: Uncertain significance (1); Likely benign (1). Last evaluated 2025-03-22.

Allele frequency attached by ClinVar (database versions not stated): ExAC 0.00007; 1000 Genomes Project 30x 0.00016; 1000 Genomes Project 0.00020; ESP Exome Variant Server 0.00023; gnomAD 0.00033; TOPMed 0.00034.
gnomAD v4.1: 116 of 1,613,752 alleles (0.0072%); highest among the groups gnomAD compares: African/African-American, 0.12%; no homozygotes.

Submissions (2):

Ambry Genetics
Classification: Uncertain significance. Last evaluated: 2025-03-22. Review status: criteria provided, single submitter. Criteria: Ambry Variant Classification Scheme 2023. Collection method: clinical testing. Allele origin: germline.

CeGaT Center for Human Genetics Tuebingen
Classification: Likely benign. Last evaluated: 2022-09-01. Review status: criteria provided, single submitter. Criteria: CeGaT Center For Human Genetics Tuebingen Variant Classification Criteria Version 2. Collection method: clinical testing. Allele origin: germline. Affected: yes. Observed: 1 variant allele.
Comment: POLN: BP4

NM_181808.4(POLN):c.529G>T (p.Asp177Tyr)

Gene: POLN (DNA polymerase nu; minus strand). Cytogenetic location: 4p16.3.
Variant type: single nucleotide variant.
Coding change: c.529G>T on transcript NM_181808.4 (MANE Select); coding-DNA position 529, G replaced by T.
Protein change: p.Asp177Tyr; replaces aspartic acid 177 with tyrosine.
Molecular consequence: missense variant.
Genome position (GRCh38, 1-based): chr4:2,208,172, C>A on the plus strand (G>T on the coding strand, the complement: POLN is on the minus strand). VCF-style: chr4-2208172-C-A. GRCh37 (hg19) VCF-style: chr4-2209899-C-A.
Other names: short protein forms D177Y.
Identifiers: ClinVar variation 2372714 (VCV002372714.26), dbSNP rs111396698, ClinGen allele CA2814932.